The following is an entry in ClinVar:

ClinVar aggregate classification (germline): Pathogenic (1 of 4 stars; one submission).

Allele frequency attached by ClinVar (database versions not stated): gnomAD 0.00001; gnomAD exomes 0.00001; TOPMed 0.00001.

Submission:

Labcorp Genetics (formerly Invitae), Labcorp
Classification: Pathogenic. Last evaluated: 2022-02-09. Review status: criteria provided, single submitter. Criteria: Invitae Variant Classification Sherloc (09022015). Collection method: clinical testing. Allele origin: germline.
Comment: This sequence change creates a premature translational stop signal (p.Leu516Tyrfs*15) in the GALNT3 gene. It is expected to result in an absent or disrupted protein product. Loss-of-function variants in GALNT3 are known to be pathogenic (PMID: 15133511, 20358599). This variant is not present in population databases (gnomAD no frequency). This variant has not been reported in the literature in individuals affected with GALNT3-related conditions. For these reasons, this variant has been classified as Pathogenic.

Literature cited by the submitters: PubMed 15133511; PubMed 20358599.

NM_004482.4(GALNT3):c.1546del (p.Leu516fs)

Gene: GALNT3 (polypeptide N-acetylgalactosaminyltransferase 3; minus strand). Cytogenetic location: 2q24.3.
Variant type: Deletion.
Coding change: c.1546del on transcript NM_004482.4 (MANE Select); coding-DNA position 1546, one base deleted (C; older notation c.1546delC).
Protein change: p.Leu516fs; shifts the reading frame from leucine 516.
Molecular consequence: frameshift variant.
Genome position (GRCh38, 1-based): chr2:165,754,707, G deleted on the plus strand (C on the coding strand, the reverse complement: GALNT3 is on the minus strand). VCF-style (leftmost placement, unchanged base first): chr2-165754706-AG-A. GRCh37 (hg19) VCF-style: chr2-166611216-AG-A.
Other names: short protein forms L516fs.
Identifiers: ClinVar variation 1903079 (VCV001903079.6), dbSNP rs1343441680, ClinGen allele CA760163096.